The following is an entry in ClinVar:

ClinVar aggregate classification (germline): Uncertain significance (1 of 4 stars; one submission).

Conditions:
Hypertrophic cardiomyopathy. Also called: HYPERTROPHIC MYOCARDIOPATHY. Identifiers: Orphanet 217569, MedGen C0007194, MeSH D002312, MONDO:0005045, HP:0001639.

Submission:

All of Us Research Program, National Institutes of Health
Classification: Uncertain significance for Hypertrophic cardiomyopathy. Last evaluated: 2023-05-04. Review status: criteria provided, single submitter. Criteria: ACMG Guidelines, 2015. Collection method: clinical testing. Allele origin: germline. Inheritance: Autosomal dominant inheritance. Observed: 1 variant allele, 1 heterozygote.
Comment: This missense variant replaces glutamic acid with valine at codon 34 of the MYL3 protein. Computational prediction suggests that this variant may not impact protein structure and function (internally defined REVEL score threshold <= 0.5, PMID: 27666373). To our knowledge, functional studies have not been reported for this variant. This variant has not been reported in individuals affected with MYL3-related disorders in the literature. This variant has not been identified in the general population by the Genome Aggregation Database (gnomAD). The available evidence is insufficient to determine the role of this variant in disease conclusively. Therefore, this variant is classified as a Variant of Uncertain Significance.

This study involves interpretation of variants in research participants for the purpose of population health screening. Participant phenotype was not available at the time of variant classification. Additional details can be found in publication PMID: 35346344, PMCID: PMC8962531

NM_000258.3(MYL3):c.101A>T (p.Glu34Val)

Gene: MYL3 (myosin light chain 3; minus strand). Cytogenetic location: 3p21.31.
Variant type: single nucleotide variant.
Coding change: c.101A>T on transcript NM_000258.3 (MANE Select); coding-DNA position 101, A replaced by T.
Protein change: p.Glu34Val; replaces glutamic acid 34 with valine.
Molecular consequence: missense variant.
Genome position (GRCh38, 1-based): chr3:46,863,290, T>A on the plus strand (A>T on the coding strand, the complement: MYL3 is on the minus strand). VCF-style: chr3-46863290-T-A. GRCh37 (hg19) VCF-style: chr3-46904780-T-A.
Other names: c.101A>T, p.Glu34Val (NM_001406939.1, NM_001406937.1, NM_001406938.1); short protein forms E34V.
Identifiers: ClinVar variation 3070868 (VCV003070868.1), dbSNP rs2544971861, ClinGen allele CA352499563.